The following is an entry in ClinVar:

NM_152296.5(ATP1A3):c.2005G>A (p.Asp669Asn)

Gene: ATP1A3 (ATPase Na+/K+ transporting subunit alpha 3; minus strand). Cytogenetic location: 19q13.2.
Variant type: single nucleotide variant.
Coding change: c.2005G>A on transcript NM_152296.5 (MANE Select); coding-DNA position 2005, G replaced by A.
Protein change: p.Asp669Asn; replaces aspartic acid 669 with asparagine.
Molecular consequence: missense variant.
Genome position (GRCh38, 1-based): chr19:41,976,505, C>T on the plus strand (G>A on the coding strand, the complement: ATP1A3 is on the minus strand). VCF-style: chr19-41976505-C-T. GRCh37 (hg19) VCF-style: chr19-42480657-C-T.
Other names: c.2038G>A, p.Asp680Asn (NM_001256213.2); c.2044G>A, p.Asp682Asn (NM_001256214.2); short protein forms D669N, D680N, D682N.
Identifiers: ClinVar variation 4802151 (VCV004802151.1).

ClinVar aggregate classification (germline): Uncertain significance (1 of 4 stars; one submission).

Conditions:
Dystonia 12 (DYT12). Also called: DYT-ATP1A3; Rapid-Onset Dystonia-Parkinsonism (RDP). Identifiers: Orphanet 71517, MedGen C1868681, MONDO:0007496, OMIM 128235.

gnomAD v4.1: 2 of 1,614,110 alleles (0.00012%); highest among the groups gnomAD compares: Non-Finnish European, 0.00017%; no homozygotes.

Submission:

Labcorp Genetics (formerly Invitae), Labcorp
Classification: Uncertain significance for Dystonia 12. Last evaluated: 2025-10-06. Review status: criteria provided, single submitter. Criteria: Invitae Variant Classification Sherloc (09022015). Collection method: clinical testing. Allele origin: germline.
Comment: This sequence change replaces aspartic acid, which is acidic and polar, with asparagine, which is neutral and polar, at codon 669 of the ATP1A3 protein (p.Asp669Asn). This variant is not present in population databases (gnomAD no frequency). This variant has not been reported in the literature in individuals affected with ATP1A3-related conditions. Invitae Evidence Modeling of protein sequence and biophysical properties (such as structural, functional, and spatial information, amino acid conservation, physicochemical variation, residue mobility, and thermodynamic stability) indicates that this missense variant is expected to disrupt ATP1A3 protein function with a positive predictive value of 95%. In summary, the available evidence is currently insufficient to determine the role of this variant in disease. Therefore, it has been classified as a Variant of Uncertain Significance.